The following is an entry in ClinVar:

NM_004733.4(SLC33A1):c.1211G>C (p.Gly404Ala)

Gene: SLC33A1 (solute carrier family 33 member 1; minus strand). Cytogenetic location: 3q25.31.
Variant type: single nucleotide variant.
Coding change: c.1211G>C on transcript NM_004733.4 (MANE Select); coding-DNA position 1211, G replaced by C.
Protein change: p.Gly404Ala; replaces glycine 404 with alanine.
Molecular consequence: missense variant. On other transcripts: intron variant (1).
Genome position (GRCh38, 1-based): chr3:155,833,523, C>G on the plus strand (G>C on the coding strand, the complement: SLC33A1 is on the minus strand). VCF-style: chr3-155833523-C-G. GRCh37 (hg19) VCF-style: chr3-155551312-C-G.
Other names: c.1211G>C, p.Gly404Ala (NM_001190992.2); c.960+334G>C (NM_001363883.1); short protein forms G404A.
Identifiers: ClinVar variation 3899102 (VCV003899102.1).
Genomic context (GRCh38, chr3:155,833,523, plus strand): 5'-CTTACCTGATGTAAAGCATAACTCAGCAGGACTACGATATAGTAATATATAGGGAATCCC[C>G]CTTGATGTTCTACTTTAGGAGTCCACCAAACCAGTAGGGCATATTCTAACCCAAGCAATA-3'
Protein context (NP_004724.1, residues 394-414): VWWTPKVEHQ[Gly404Ala]GFPIYYYIVV

ClinVar aggregate classification (germline): Uncertain significance (1 of 4 stars; one submission).

Submission:

GeneDx
Classification: Uncertain significance. Last evaluated: 2024-11-08. Review status: criteria provided, single submitter. Criteria: GeneDx Variant Classification Process June 2021. Collection method: clinical testing. Allele origin: germline. Affected: yes.
Comment: Not observed at significant frequency in large population cohorts (gnomAD); In silico analysis supports that this missense variant has a deleterious effect on protein structure/function; Has not been previously published as pathogenic or benign to our knowledge